The following is an entry in ClinVar:

ClinVar aggregate classification (germline): Pathogenic (1 of 4 stars; one submission).

Conditions:
Arterial tortuosity syndrome (ATORS). Identifiers: Orphanet 3342, MedGen C1859726, MONDO:0008818, OMIM 208050.

Submission:

Labcorp Genetics (formerly Invitae), Labcorp
Classification: Pathogenic for Arterial tortuosity syndrome. Last evaluated: 2025-09-01. Review status: criteria provided, single submitter. Criteria: Invitae Variant Classification Sherloc (09022015). Collection method: clinical testing. Allele origin: germline.
Comment: This sequence change creates a premature translational stop signal (p.Tyr151*) in the SLC2A10 gene. It is expected to result in an absent or disrupted protein product. Loss-of-function variants in SLC2A10 are known to be pathogenic (PMID: 17935213, 22488877, 23494979). This variant is not present in population databases (gnomAD no frequency). This variant has not been reported in the literature in individuals affected with SLC2A10-related conditions. For these reasons, this variant has been classified as Pathogenic.

Literature cited by the submitters: PubMed 17935213; PubMed 22488877; PubMed 23494979.

NM_030777.4(SLC2A10):c.453T>A (p.Tyr151Ter)

Gene: SLC2A10 (solute carrier family 2 member 10; plus strand). Cytogenetic location: 20q13.12.
Variant type: single nucleotide variant.
Coding change: c.453T>A on transcript NM_030777.4 (MANE Select); coding-DNA position 453, T replaced by A.
Protein change: p.Tyr151Ter; replaces tyrosine 151 with a stop codon.
Molecular consequence: nonsense.
Genome position (GRCh38, 1-based): chr20:46,725,489, T>A. VCF-style: chr20-46725489-T-A. GRCh37 (hg19) VCF-style: chr20-45354128-T-A.
Other names: short protein forms Y151*.
Identifiers: ClinVar variation 4726466 (VCV004726466.1).